The following is an entry in ClinVar:

ClinVar aggregate classification (germline): Uncertain significance (1 of 4 stars; one submission).

Conditions:
Xanthinuria type II. Also called: Xanthine dehydrogenase and aldehyde oxidase combined deficiency of; XDH and AOX dual deficiency. Identifiers: Orphanet 3467, Orphanet 93602, MedGen C1863688, MONDO:0011346, OMIM 603592.

Allele frequency attached by ClinVar (database versions not stated): gnomAD 0.00001; gnomAD exomes 0.00001.
gnomAD v4.1: 10 of 1,613,990 alleles (0.00062%); highest among the groups gnomAD compares: Non-Finnish European, 0.00085%; no homozygotes.

Submissions (2):

Labcorp Genetics (formerly Invitae), Labcorp
Classification: Uncertain significance for Xanthinuria type II. Last evaluated: 2022-07-14. Review status: criteria provided, single submitter. Criteria: Invitae Variant Classification Sherloc (09022015). Collection method: clinical testing. Allele origin: germline.
Comment: This sequence change replaces alanine, which is neutral and non-polar, with valine, which is neutral and non-polar, at codon 300 of the MOCOS protein (p.Ala300Val). This variant is not present in population databases (gnomAD no frequency). This variant has not been reported in the literature in individuals affected with MOCOS-related conditions. Algorithms developed to predict the effect of missense changes on protein structure and function output the following: SIFT: "Tolerated"; PolyPhen-2: "Benign"; Align-GVGD: "Class C0". The valine amino acid residue is found in multiple mammalian species, which suggests that this missense change does not adversely affect protein function. In summary, the available evidence is currently insufficient to determine the role of this variant in disease. Therefore, it has been classified as a Variant of Uncertain Significance.

Dr. Peter K. Rogan Lab, Western University
No classification provided (evidence only). Condition: Cervical cancer. Review status: no classification provided. Collection method: in vitro. Allele origin: not applicable. Functional consequence: retained intron. Not counted in ClinVar's aggregate classification.

NM_017947.4(MOCOS):c.899C>T (p.Ala300Val)

Gene: MOCOS (molybdenum cofactor sulfurase; plus strand). Cytogenetic location: 18q12.2.
Variant type: single nucleotide variant.
Coding change: c.899C>T on transcript NM_017947.4 (MANE Select); coding-DNA position 899, C replaced by T.
Protein change: p.Ala300Val; replaces alanine 300 with valine.
Molecular consequence: missense variant.
Genome position (GRCh38, 1-based): chr18:36,200,282, C>T. VCF-style: chr18-36200282-C-T. GRCh37 (hg19) VCF-style: chr18-33780245-C-T.
Other names: short protein forms A300V.
Identifiers: ClinVar variation 2067325 (VCV002067325.5), dbSNP rs2091408152, ClinGen allele CA402215406.